The following is an entry in ClinVar:

NM_001854.4(COL11A1):c.4070G>T (p.Gly1357Val)

Gene: COL11A1 (collagen type XI alpha 1 chain; minus strand). Cytogenetic location: 1p21.1.
Variant type: single nucleotide variant.
Coding change: c.4070G>T on transcript NM_001854.4 (MANE Select); coding-DNA position 4070, G replaced by T.
Protein change: p.Gly1357Val; replaces glycine 1357 with valine.
Molecular consequence: missense variant. On other transcripts: non-coding transcript variant (1).
Genome position (GRCh38, 1-based): chr1:102,912,175, C>A on the plus strand (G>T on the coding strand, the complement: COL11A1 is on the minus strand). VCF-style: chr1-102912175-C-A. GRCh37 (hg19) VCF-style: chr1-103377731-C-A.
Other names: c.4070G>T (NM_001854.3); c.3722G>T, p.Gly1241Val (NM_001168249.1, NM_080630.4); c.3953G>T, p.Gly1318Val (NM_001190709.2); c.4106G>T, p.Gly1369Val (NM_080629.3); short protein forms G1318V, G1357V, G1369V, G1241V.
Identifiers: ClinVar variation 2053522 (VCV002053522.5), dbSNP rs2524455111, ClinGen allele CA341160178.

ClinVar aggregate classification (germline): Uncertain significance. Review status: criteria provided, multiple submitters, no conflicts (2 of 4 stars). 2 submissions from 2 submitters: Uncertain significance (2). Last evaluated 2023-05-01.

Submissions (2):

GeneDx
Classification: Uncertain significance. Last evaluated: 2023-05-01. Review status: criteria provided, single submitter. Criteria: GeneDx Variant Classification Process June 2021. Collection method: clinical testing. Allele origin: germline. Affected: yes.
Comment: Not observed at significant frequency in large population cohorts (gnomAD); In silico analysis supports that this missense variant has a deleterious effect on protein structure/function; Has not been previously published as pathogenic or benign to our knowledge; This variant is associated with the following publications: (PMID: 25240749)

Labcorp Genetics (formerly Invitae), Labcorp
Classification: Uncertain significance. Last evaluated: 2022-01-15. Review status: criteria provided, single submitter. Criteria: Invitae Variant Classification Sherloc (09022015). Collection method: clinical testing. Allele origin: germline.
Comment: In summary, the available evidence is currently insufficient to determine the role of this variant in disease. Therefore, it has been classified as a Variant of Uncertain Significance. Advanced modeling of protein sequence and biophysical properties (such as structural, functional, and spatial information, amino acid conservation, physicochemical variation, residue mobility, and thermodynamic stability) performed at Invitae indicates that this missense variant is expected to disrupt COL11A1 protein function. This variant has not been reported in the literature in individuals affected with COL11A1-related conditions. This variant is not present in population databases (gnomAD no frequency). This sequence change replaces glycine, which is neutral and non-polar, with valine, which is neutral and non-polar, at codon 1357 of the COL11A1 protein (p.Gly1357Val).